The following is an entry in ClinVar:

NM_006343.3(MERTK):c.2070_2074del (p.Gly691fs)

Gene: MERTK (MER proto-oncogene, tyrosine kinase; plus strand). Cytogenetic location: 2q13.
Variant type: Deletion.
Coding change: c.2070_2074del on transcript NM_006343.3 (MANE Select); coding-DNA positions 2070 to 2074, 5 bases deleted (AGGAC; older notation c.2070_2074delAGGAC).
Protein change: p.Gly691fs; shifts the reading frame from glycine 691.
Molecular consequence: frameshift variant.
Genome position (GRCh38, 1-based): chr2:112,010,057-112,010,061, AGGAC deleted; deleting any 5 consecutive bases within chr2:112,010,054-112,010,061 gives the same sequence; the c. name uses the placement nearest the transcript's 3' end. VCF-style (leftmost placement, unchanged base first): chr2-112010053-AGACAG-A. GRCh37 (hg19) VCF-style: chr2-112767630-AGACAG-A.
Other names: short protein forms G691fs.
Identifiers: ClinVar variation 811356 (VCV000811356.10), dbSNP rs1573638426, ClinGen allele CA915944094.

ClinVar aggregate classification (germline): Pathogenic. Review status: criteria provided, multiple submitters, no conflicts (2 of 4 stars). 3 submissions from 3 submitters: Pathogenic (2). 1 of the submissions does not count toward it. Last evaluated 2020-10-23.

Conditions:
Retinitis pigmentosa 38 (RP38). Also called: ROD-CONE DYSTROPHY, CHILDHOOD-ONSET. Identifiers: Orphanet 791, MedGen C3151228, MONDO:0013469, OMIM 613862.

Submissions (3):

Institute of Medical Genetics and Applied Genomics, University Hospital Tübingen
Classification: Pathogenic. Last evaluated: 2020-10-23. Review status: criteria provided, single submitter. Criteria: ACMG Guidelines, 2015. Collection method: clinical testing. Allele origin: germline. Inheritance: Unknown mechanism. Affected: yes.

ARUP Laboratories, Molecular Genetics and Genomics, ARUP Laboratories
Classification: Pathogenic for Retinitis pigmentosa 38. Last evaluated: 2019-04-09. Review status: criteria provided, single submitter. Criteria: ARUP Molecular Germline Variant Investigation Process. Collection method: clinical testing. Allele origin: germline.
Comment: The MERTK c.2070_2074delAGGAC; p.Gly691fs variant is reported in the literature in the homozygous state in an individual affected with retinitis pigmentosa (Gal 2000). This variant is absent from general population databases (Exome Variant Server, Genome Aggregation Database), indicating it is not a common polymorphism. This variant causes a frameshift by deleting five nucleotides, so it is predicted to result in a truncated protein or mRNA subject to nonsense-mediated decay. Further, MERTK loss-of-function is an established mechanism of disease, and truncating variants downstream of p.Gly691fs have been described in individuals with retinal dystrophies and are considered disease-causing (Audo 2018, Patel 2016). Based on available information, this variant is considered to be pathogenic. References: Audo I et al. MERTK mutation update in inherited retinal diseases. Hum Mutat. 2018 Jul;39(7):887-913. Gal A et al. Mutations in MERTK, the human orthologue of the RCS rat retinal dystrophy gene, cause retinitis pigmentosa. Nat Genet. 2000 Nov;26(3):270-1. Patel N et al. Expanding the clinical, allelic, and locus heterogeneity of retinal dystrophies. Genet Med. 2016 Jun;18(6):554-62.

OMIM
Classification: Pathogenic for RETINITIS PIGMENTOSA 38. Last evaluated: 2000-11-01. Review status: no assertion criteria provided. Collection method: literature only. Allele origin: germline. Not counted in ClinVar's aggregate classification.

Literature cited by the submitters: PubMed 11062461 (cited by OMIM).